The following is an entry in ClinVar:

ClinVar aggregate classification (germline): Uncertain significance (1 of 4 stars; one submission).

Conditions:
PLXNA4-related disorder. Also called: PLXNA4-related condition.

Submission:

PreventionGenetics, part of Exact Sciences
Classification: Uncertain significance for PLXNA4-related condition. Last evaluated: 2026-04-08. Review status: criteria provided, single submitter. Criteria: ACMG Guidelines, 2015. Collection method: clinical testing. Allele origin: germline.
Comment: The PLXNA4 c.1955T>A variant is predicted to result in the amino acid substitution p.Val652Asp. To our knowledge, this variant has not been reported in the literature or in a large population database (gnomAD), indicating this variant is rare. At this time, the clinical significance of this variant is uncertain due to the absence of conclusive functional and genetic evidence.

NM_020911.2(PLXNA4):c.1955T>A (p.Val652Asp)

Gene: PLXNA4 (plexin A4; minus strand). Cytogenetic location: 7q32.3.
Variant type: single nucleotide variant.
Coding change: c.1955T>A on transcript NM_020911.2 (MANE Select); coding-DNA position 1955, T replaced by A.
Protein change: p.Val652Asp; replaces valine 652 with aspartic acid.
Molecular consequence: missense variant.
Genome position (GRCh38, 1-based): chr7:132,226,188, A>T on the plus strand (T>A on the coding strand, the complement: PLXNA4 is on the minus strand). VCF-style: chr7-132226188-A-T. GRCh37 (hg19) VCF-style: chr7-131910947-A-T.
Other names: c.1955T>A, p.Val652Asp (NM_001393897.1); short protein forms V652D.
Identifiers: ClinVar variation 4977721 (VCV004977721.1).